The following is an entry in ClinVar:

NC_000009.12:g.(?_6565334)_(6610376_?)del

Genes: GLDC (glycine decarboxylase; minus strand), LOC113839554 (Sharpr-MPRA regulatory region 10661; plus strand), LOC126860573 (P300/CBP strongly-dependent group 1 enhancer GRCh37_chr9:6566198-6567397; plus strand), LOC130001537 (ATAC-STARR-seq lymphoblastoid active region 28187; plus strand). Cytogenetic location: 9p24.1.
Variant type: Deletion.
Identifiers: ClinVar variation 3245156 (VCV003245156.1).

ClinVar aggregate classification (germline): Pathogenic (1 of 4 stars; one submission).

Conditions:
Glycine encephalopathy. Also called: Nonketotic hyperglycinemia; Non-ketotic hyperglycinemia. Identifiers: Orphanet 407, MedGen C0751748, MONDO:0011612, HP:0008288.

Submission:

Labcorp Genetics (formerly Invitae), Labcorp
Classification: Pathogenic for Glycine encephalopathy. Last evaluated: 2023-02-03. Review status: criteria provided, single submitter. Criteria: Invitae Variant Classification Sherloc (09022015). Collection method: clinical testing. Allele origin: unknown.
Comment: This variant is a gross deletion of the genomic region encompassing exon(s) 4-16 of the GLDC gene. This deletion is out-of-frame, and is expected to create a premature termination codon and result in an absent or disrupted protein product. Loss-of-function variants in GLDC are known to be pathogenic (PMID: 16601880). For these reasons, this variant has been classified as Pathogenic. This variant has not been reported in the literature in individuals affected with GLDC-related conditions.

Literature cited by the submitters: PubMed 16601880.